The following is an entry in ClinVar:

ClinVar aggregate classification (germline): Uncertain significance (1 of 4 stars; one submission).

Allele frequency attached by ClinVar (database versions not stated): gnomAD 0.00001.
gnomAD v4.1: 2 of 1,517,964 alleles (0.00013%); highest among the groups gnomAD compares: African/African-American, 0.0014%; no homozygotes.

Submission:

Labcorp Genetics (formerly Invitae), Labcorp
Classification: Uncertain significance. Last evaluated: 2021-11-02. Review status: criteria provided, single submitter. Criteria: Invitae Variant Classification Sherloc (09022015). Collection method: clinical testing. Allele origin: germline.
Comment: This variant is not present in population databases (gnomAD no frequency). In summary, the available evidence is currently insufficient to determine the role of this variant in disease. Therefore, it has been classified as a Variant of Uncertain Significance. Advanced modeling of protein sequence and biophysical properties (such as structural, functional, and spatial information, amino acid conservation, physicochemical variation, residue mobility, and thermodynamic stability) performed at Invitae indicates that this missense variant is not expected to disrupt FAT4 protein function. This variant has not been reported in the literature in individuals affected with FAT4-related conditions. This sequence change replaces proline, which is neutral and non-polar, with arginine, which is basic and polar, at codon 4117 of the FAT4 protein (p.Pro4117Arg).

NM_001291303.3(FAT4):c.12356C>G (p.Pro4119Arg)

Gene: FAT4 (FAT atypical cadherin 4; plus strand). Cytogenetic location: 4q28.1.
Variant type: single nucleotide variant.
Coding change: c.12356C>G on transcript NM_001291303.3 (MANE Select); coding-DNA position 12356, C replaced by G.
Protein change: p.Pro4119Arg; replaces proline 4119 with arginine.
Molecular consequence: missense variant.
Genome position (GRCh38, 1-based): chr4:125,477,211, C>G. VCF-style: chr4-125477211-C-G. GRCh37 (hg19) VCF-style: chr4-126398366-C-G.
Other names: c.12356C>G, p.Pro4119Arg (NM_001291285.3); c.12350C>G, p.Pro4117Arg (NM_024582.6); short protein forms P4119R, P4117R.
Identifiers: ClinVar variation 1501140 (VCV001501140.6), dbSNP rs1403495139, ClinGen allele CA358130981.